The following is an entry in ClinVar:

ClinVar aggregate classification (germline): Uncertain significance (1 of 4 stars; one submission).

Submission:

Ambry Genetics
Classification: Uncertain significance. Last evaluated: 2024-04-19. Review status: criteria provided, single submitter. Criteria: Ambry Variant Classification Scheme 2023. Collection method: clinical testing. Allele origin: germline.
Comment: The p.Q753R variant (also known as c.2258A>G), located in coding exon 14 of the POLQ gene, results from an A to G substitution at nucleotide position 2258. The glutamine at codon 753 is replaced by arginine, an amino acid with highly similar properties. This amino acid position is conserved. In addition, this alteration is predicted to be tolerated by in silico analysis. Since supporting evidence is limited at this time, the clinical significance of this alteration remains unclear.

NM_199420.4(POLQ):c.2258A>G (p.Gln753Arg)

Gene: POLQ (DNA polymerase theta; minus strand). Cytogenetic location: 3q13.33.
Variant type: single nucleotide variant.
Coding change: c.2258A>G on transcript NM_199420.4 (MANE Select); coding-DNA position 2258, A replaced by G.
Protein change: p.Gln753Arg; replaces glutamine 753 with arginine.
Molecular consequence: missense variant.
Genome position (GRCh38, 1-based): chr3:121,496,828, T>C on the plus strand (A>G on the coding strand, the complement: POLQ is on the minus strand). VCF-style: chr3-121496828-T-C. GRCh37 (hg19) VCF-style: chr3-121215675-T-C.
Other names: short protein forms Q753R.
Identifiers: ClinVar variation 1788543 (VCV001788543.3), dbSNP rs2546793625, ClinGen allele CA354108842.